The following is an entry in ClinVar:

NM_002474.3(MYH11):c.171G>A (p.Glu57=)

Gene: MYH11 (myosin heavy chain 11; minus strand). Cytogenetic location: 16p13.11.
Variant type: single nucleotide variant.
Coding change: c.171G>A on transcript NM_002474.3 (MANE Select); coding-DNA position 171, G replaced by A.
Protein change: p.Glu57=; no amino-acid change (glutamic acid 57 retained).
Molecular consequence: synonymous variant.
Genome position (GRCh38, 1-based): chr16:15,838,082, C>T on the plus strand (G>A on the coding strand, the complement: MYH11 is on the minus strand). VCF-style: chr16-15838082-C-T. GRCh37 (hg19) VCF-style: chr16-15931939-C-T.
Other names: c.171G>A, p.Glu57= (NM_001040113.2, NM_001040114.2, NM_022844.3).
Identifiers: ClinVar variation 925169 (VCV000925169.3), dbSNP rs2043951054, ClinGen allele CA494102589.

ClinVar aggregate classification (germline): Likely benign. Review status: criteria provided, multiple submitters, no conflicts (2 of 4 stars). 2 submissions from 2 submitters: Likely benign (2). Last evaluated 2023-08-15.

Conditions:
Familial thoracic aortic aneurysm and aortic dissection (TAAD). Also called: Thoracic aortic aneurysms and dissections. Identifiers: Orphanet 91387, MedGen C4707243, MONDO:0019625.

Allele frequency attached by ClinVar (database versions not stated): gnomAD exomes below 0.00001.
gnomAD v4.1: 1 of 1,614,134 alleles (0.000062%); highest among the groups gnomAD compares: Non-Finnish European, 0.000085%; no homozygotes.

Submissions (2):

All of Us Research Program, National Institutes of Health
Classification: Likely benign for Familial thoracic aortic aneurysm and aortic dissection. Last evaluated: 2023-08-15. Review status: criteria provided, single submitter. Criteria: ACMG Guidelines, 2015. Collection method: clinical testing. Allele origin: germline. Inheritance: Autosomal dominant inheritance. Observed: 1 variant allele, 1 heterozygote.
Comment: This study involves interpretation of variants in research participants for the purpose of population health screening. Participant phenotype was not available at the time of variant classification. Additional details can be found in publication PMID: 35346344, PMCID: PMC8962531

Color Diagnostics, LLC DBA Color Health
Classification: Likely benign for Familial thoracic aortic aneurysm and aortic dissection. Last evaluated: 2018-10-30. Review status: criteria provided, single submitter. Criteria: ACMG Guidelines, 2015. Collection method: clinical testing. Allele origin: germline.